The following is an entry in ClinVar:

NM_000419.5(ITGA2B):c.1229C>G (p.Pro410Arg)

Gene: ITGA2B (integrin subunit alpha 2b; minus strand). Cytogenetic location: 17q21.31.
Variant type: single nucleotide variant.
Coding change: c.1229C>G on transcript NM_000419.5 (MANE Select); coding-DNA position 1229, C replaced by G.
Protein change: p.Pro410Arg; replaces proline 410 with arginine.
Molecular consequence: missense variant.
Genome position (GRCh38, 1-based): chr17:44,381,043, G>C on the plus strand (C>G on the coding strand, the complement: ITGA2B is on the minus strand). VCF-style: chr17-44381043-G-C. GRCh37 (hg19) VCF-style: chr17-42458411-G-C.
Other names: short protein forms P410R.
Identifiers: ClinVar variation 996212 (VCV000996212.3), dbSNP rs773649547, ClinGen allele CA399803786.

ClinVar aggregate classification (germline): Uncertain significance (3 of 4 stars; one submission).

Conditions:
Glanzmann thrombasthenia. Also called: Glanzmann's thrombasthenia; PLATELET GLYCOPROTEIN IIb-IIIa DEFICIENCY; BLEEDING DISORDER, PLATELET-TYPE, 2; THROMBASTHENIA OF GLANZMANN AND NAEGELI; Thrombasthenia. Identifiers: Orphanet 849, MedGen C0040015, MONDO:0100326.

Allele frequency attached by ClinVar (database versions not stated): gnomAD 0.00001.
gnomAD v4.1: 11 of 1,613,430 alleles (0.00068%); highest among the groups gnomAD compares: Non-Finnish European, 0.00093%; no homozygotes.

Submission:

ClinGen Platelet Disorders Variant Curation Expert Panel, ClinGen
Classification: Uncertain significance for Glanzmann thrombasthenia. Last evaluated: 2023-12-19. Review status: reviewed by expert panel. Criteria: ClinGen Platelet ACMG Specifications v2-1. Collection method: curation. Allele origin: germline. Inheritance: Autosomal recessive inheritance.
Comment: NM_000419.5(ITGA2B):c.1229C>G (p.Pro410Arg) missense variant has been reported in at least one compound heterozygous GT proband (PMID: 32237906) with pathogenic variant Gln778Pro (PM3_supporting). GT9 of PMID: 32237906 meets the criteria for PP4_Moderate; including mucocutaneous bleeding and impaired aggregation with all agonists except ristocetin. Additionally there was 21% expression of GPIIb was measured by flow cytometry. The variant occurs at an extremely low frequency with a MAF of 0.000008941 in the non-Finnish European gnomAD population (PM2_supporting). Computational evidence supports a deleterious effect with a REVEL score of 0.816 (PP3). In summary this variant meets criteria to be classified as uncertain significance for GT. GT-specific criteria applied: PM2_Supporting,PM3_Supporting, PP3, and PP4_Moderate.